The following is an entry in ClinVar:

ClinVar aggregate classification (germline): Uncertain significance (1 of 4 stars; one submission).

Conditions:
Hereditary cancer-predisposing syndrome. Also called: Tumor predisposition; Hereditary neoplastic syndrome; Neoplastic Syndromes, Hereditary; Hereditary Cancer Syndrome. Identifiers: Orphanet 140162, MedGen C0027672, MeSH D009386, MONDO:0015356.

Submission:

Ambry Genetics
Classification: Uncertain significance for Hereditary cancer-predisposing syndrome. Last evaluated: 2025-05-21. Review status: criteria provided, single submitter. Criteria: Ambry Variant Classification Scheme 2023. Collection method: clinical testing. Allele origin: germline.
Comment: The c.594_*2delGTAAAC variant (also known as p.*199Aext*58), located in coding exon 2 of the CDKN1B gene, results from a GTAAAC deletion at nucleotide 549 and extends into the 3' untranslated region of the CDKN1B gene. This alteration disrupts the stop codon of the CDKN1B gene and results in the elongation of the protein by 58 amino acids. The exact functional effect of this alteration is unknown. Based on the available evidence, the clinical significance of this variant remains unclear.

NM_004064.5(CDKN1B):c.594_*2del (p.Thr198_Ter199delinsXaa)

Gene: CDKN1B (cyclin dependent kinase inhibitor 1B; plus strand). Cytogenetic location: 12p13.1.
Variant type: Deletion.
Coding change: c.594_*2del on transcript NM_004064.5 (MANE Select); coding-DNA position 594 through 2 bases downstream of the stop codon, 6 bases deleted (GTAAAC; older notation c.594_*2delGTAAAC).
Protein change: p.Thr198_Ter199delinsXaa.
Molecular consequence: stop lost.
Genome position (GRCh38, 1-based): chr12:12,718,943-12,718,948, GTAAAC deleted; deleting any 6 consecutive bases within chr12:12,718,939-12,718,948 gives the same sequence; the c. name uses the placement nearest the transcript's 3' end. VCF-style (leftmost placement, unchanged base first): chr12-12718938-CAAACGT-C. GRCh37 (hg19) VCF-style: chr12-12871872-CAAACGT-C.
Identifiers: ClinVar variation 3999750 (VCV003999750.1).